The following is an entry in ClinVar:

NM_001286577.2(C2CD3):c.5402C>T (p.Thr1801Met)

Gene: C2CD3 (C2 domain containing 3 centriole elongation regulator; minus strand). Cytogenetic location: 11q13.4.
Variant type: single nucleotide variant.
Coding change: c.5402C>T on transcript NM_001286577.2 (MANE Select); coding-DNA position 5402, C replaced by T.
Protein change: p.Thr1801Met; replaces threonine 1801 with methionine.
Molecular consequence: missense variant.
Genome position (GRCh38, 1-based): chr11:74,048,298, G>A on the plus strand (C>T on the coding strand, the complement: C2CD3 is on the minus strand). VCF-style: chr11-74048298-G-A. GRCh37 (hg19) VCF-style: chr11-73759343-G-A.
Other names: c.5402C>T, p.Thr1801Met (NM_015531.6); c.5402C>T (NM_015531.5, NM_015531.4); short protein forms T1801M.
Identifiers: ClinVar variation 1396870 (VCV001396870.8), dbSNP rs370540388, ClinGen allele CA6181893.

ClinVar aggregate classification (germline): Conflicting classifications of pathogenicity. Review status: criteria provided, conflicting classifications (1 of 4 stars). 3 submissions from 3 submitters: Uncertain significance (2); Likely benign (1). Last evaluated 2026-03-12.

Conditions:
C2CD3-related disorder. Also called: C2CD3-related condition.
Inborn genetic diseases. Identifiers: MedGen C0950123, MeSH D030342.

Allele frequency attached by ClinVar (database versions not stated): ESP Exome Variant Server 0.00008.
gnomAD v4.1: 25 of 1,613,478 alleles (0.0015%); highest among the groups gnomAD compares: African/African-American, 0.021%; no homozygotes.

Submissions (3):

PreventionGenetics, part of Exact Sciences
Classification: Uncertain significance for C2CD3-related condition. Last evaluated: 2026-03-12. Review status: criteria provided, single submitter. Criteria: ACMG Guidelines, 2015. Collection method: clinical testing. Allele origin: germline.
Comment: The C2CD3 c.5402C>T variant is predicted to result in the amino acid substitution p.Thr1801Met. To our knowledge, this variant has not been reported in the literature. This variant is reported in 0.019% of alleles in individuals of African descent in gnomAD. At this time, the clinical significance of this variant is uncertain due to the absence of conclusive functional and genetic evidence.

Ambry Genetics
Classification: Likely benign for Inborn genetic diseases. Last evaluated: 2021-12-14. Review status: criteria provided, single submitter. Criteria: Ambry Variant Classification Scheme 2023. Collection method: clinical testing. Allele origin: germline.

Labcorp Genetics (formerly Invitae), Labcorp
Classification: Uncertain significance. Last evaluated: 2021-06-26. Review status: criteria provided, single submitter. Criteria: Invitae Variant Classification Sherloc (09022015). Collection method: clinical testing. Allele origin: germline.
Comment: This sequence change replaces threonine with methionine at codon 1801 of the C2CD3 protein (p.Thr1801Met). The threonine residue is weakly conserved and there is a moderate physicochemical difference between threonine and methionine. In summary, the available evidence is currently insufficient to determine the role of this variant in disease. Therefore, it has been classified as a Variant of Uncertain Significance. Algorithms developed to predict the effect of missense changes on protein structure and function output the following: SIFT: "Tolerated"; PolyPhen-2: "Benign"; Align-GVGD: "Class C0". The methionine amino acid residue is found in multiple mammalian species, suggesting that this missense change does not adversely affect protein function. These predictions have not been confirmed by published functional studies and their clinical significance is uncertain. This variant has not been reported in the literature in individuals with C2CD3-related conditions. This variant is present in population databases (rs370540388, ExAC 0.02%).